The following is an entry in ClinVar:

NM_001042545.2(LTBP4):c.2434G>A (p.Val812Met)

Gene: LTBP4 (latent transforming growth factor beta binding protein 4; plus strand). Cytogenetic location: 19q13.2.
Variant type: single nucleotide variant.
Coding change: c.2434G>A on transcript NM_001042545.2 (MANE Select); coding-DNA position 2434, G replaced by A.
Protein change: p.Val812Met; replaces valine 812 with methionine.
Molecular consequence: missense variant.
Genome position (GRCh38, 1-based): chr19:40,613,406, G>A. VCF-style: chr19-40613406-G-A. GRCh37 (hg19) VCF-style: chr19-41119312-G-A.
Other names: c.2635G>A, p.Val879Met (NM_001042544.1); c.2524G>A, p.Val842Met (NM_003573.2); short protein forms V812M, V842M, V879M.
Identifiers: ClinVar variation 1316026 (VCV001316026.3), dbSNP rs764548567, ClinGen allele CA9448680.

ClinVar aggregate classification (germline): Uncertain significance. Review status: criteria provided, multiple submitters, no conflicts (2 of 4 stars). 2 submissions from 2 submitters: Uncertain significance (2). Last evaluated 2022-04-24.

Allele frequency attached by ClinVar (database versions not stated): TOPMed below 0.00001; gnomAD 0.00001; gnomAD exomes 0.00001; ExAC 0.00003.
gnomAD v4.1: 10 of 1,606,322 alleles (0.00062%); highest among the groups gnomAD compares: Non-Finnish European, 0.00085%; no homozygotes.

Submissions (2):

Labcorp Genetics (formerly Invitae), Labcorp
Classification: Uncertain significance. Last evaluated: 2022-04-24. Review status: criteria provided, single submitter. Criteria: Invitae Variant Classification Sherloc (09022015). Collection method: clinical testing. Allele origin: germline.
Comment: This sequence change replaces valine, which is neutral and non-polar, with methionine, which is neutral and non-polar, at codon 842 of the LTBP4 protein (p.Val842Met). The frequency data for this variant in the population databases is considered unreliable, as metrics indicate poor data quality at this position in the gnomAD database. This variant has not been reported in the literature in individuals affected with LTBP4-related conditions. ClinVar contains an entry for this variant (Variation ID: 1316026). Experimental studies and prediction algorithms are not available or were not evaluated, and the functional significance of this variant is currently unknown. In summary, the available evidence is currently insufficient to determine the role of this variant in disease. Therefore, it has been classified as a Variant of Uncertain Significance.

GeneDx
Classification: Uncertain significance. Last evaluated: 2021-05-03. Review status: criteria provided, single submitter. Criteria: GeneDx Variant Classification Process June 2021. Collection method: clinical testing. Allele origin: germline. Affected: yes.
Comment: Has not been previously published as pathogenic or benign to our knowledge; Not observed at a significant frequency in large population cohorts (Lek et al., 2016); In silico analysis supports that this missense variant does not alter protein structure/function